The following is an entry in ClinVar:

NM_000368.5(TSC1):c.2308A>G (p.Thr770Ala)

Gene: TSC1 (TSC complex subunit 1; minus strand). Cytogenetic location: 9q34.13.
Variant type: single nucleotide variant.
Coding change: c.2308A>G on transcript NM_000368.5 (MANE Select); coding-DNA position 2308, A replaced by G.
Protein change: p.Thr770Ala; replaces threonine 770 with alanine.
Molecular consequence: missense variant. On other transcripts: non-coding transcript variant (5).
Genome position (GRCh38, 1-based): chr9:132,902,688, T>C on the plus strand (A>G on the coding strand, the complement: TSC1 is on the minus strand). VCF-style: chr9-132902688-T-C. GRCh37 (hg19) VCF-style: chr9-135778075-T-C.
Other names: c.2305A>G, p.Thr769Ala (NM_001162426.2, NM_001406597.1, NM_001406598.1 and 4 more transcripts); c.2155A>G, p.Thr719Ala (NM_001162427.2, NM_001406610.1); c.1945A>G, p.Thr649Ala (NM_001362177.2, NM_001406616.1, NM_001406617.1 and 5 more transcripts); c.2308A>G, p.Thr770Ala (NM_001406592.1, NM_001406593.1, NM_001406594.1 and 5 more transcripts); c.1942A>G, p.Thr648Ala (NM_001406620.1, NM_001406621.1, NM_001406622.1 and 2 more transcripts); c.1357A>G, p.Thr453Ala (NM_001406626.1); c.1354A>G, p.Thr452Ala (NM_001406627.1, NM_001406628.1); c.1255A>G, p.Thr419Ala (NM_001406629.1, NM_001406630.1); and 3 more; short protein forms T419A, T764A, T770A, T452A, T649A, T718A, T719A, T765A.
Identifiers: ClinVar variation 4192083 (VCV004192083.1).
Genomic context (GRCh38, chr9:132,902,688, plus strand): 5'-AGAATTCCTCTCGGTCATGCTGCAGCTGTCTGATCTGGCTGTGGAGCTTGGTTACCATAG[T>C]GTCACGCTGCTCCTGGAGCTGATTGTATCTAGCTTGTTCTTTCTGCAGACTAACCTTCCA-3'
Protein context (NP_000359.1, residues 760-780): RYNQLQEQRD[Thr770Ala]MVTKLHSQIR

ClinVar aggregate classification (germline): Uncertain significance (1 of 4 stars; one submission).

Conditions:
Hereditary cancer-predisposing syndrome. Also called: Neoplastic Syndromes, Hereditary; Tumor predisposition; Hereditary Cancer Syndrome; Hereditary neoplastic syndrome. Identifiers: Orphanet 140162, MedGen C0027672, MeSH D009386, MONDO:0015356.

Submission:

Ambry Genetics
Classification: Uncertain significance for Hereditary cancer-predisposing syndrome. Last evaluated: 2025-07-29. Review status: criteria provided, single submitter. Criteria: Ambry Variant Classification Scheme 2023. Collection method: clinical testing. Allele origin: germline.
Comment: The p.T770A variant (also known as c.2308A>G), located in coding exon 16 of the TSC1 gene, results from an A to G substitution at nucleotide position 2308. The threonine at codon 770 is replaced by alanine, an amino acid with similar properties. This amino acid position is conserved. In addition, this alteration is predicted to be tolerated by in silico analysis. Based on the available evidence, the clinical significance of this variant remains unclear.